The following is an entry in ClinVar:

NM_000612.6(IGF2):c.480T>C (p.Ala160=)

Genes: IGF2 (insulin like growth factor 2; minus strand), INS-IGF2 (INS-IGF2 readthrough; minus strand). Cytogenetic location: 11p15.5.
Variant type: single nucleotide variant.
Coding change: c.480T>C on transcript NM_000612.6 (MANE Select); coding-DNA position 480, T replaced by C.
Protein change: p.Ala160=; no amino-acid change (alanine 160 retained).
Molecular consequence: synonymous variant. On other transcripts: non-coding transcript variant (1).
Genome position (GRCh38, 1-based): chr11:2,133,050, A>G on the plus strand (T>C on the coding strand, the complement: IGF2 is on the minus strand). VCF-style: chr11-2133050-A-G. GRCh37 (hg19) VCF-style: chr11-2154280-A-G.
Other names: c.480T>C, p.Ala160= (NM_001007139.6, NM_001291861.3, NM_001291862.3); c.648T>C, p.Ala216= (NM_001127598.3).
Identifiers: ClinVar variation 769793 (VCV000769793.9), dbSNP rs756720073, ClinGen allele CA5817597.

ClinVar aggregate classification (germline): Likely benign. Review status: criteria provided, single submitter (1 of 4 stars). 2 submissions from 2 submitters: Likely benign (1). 1 of the submissions does not count toward it. Last evaluated 2025-09-22.

Conditions:
IGF2-related disorder. Also called: IGF2-related condition.

Allele frequency attached by ClinVar (database versions not stated): ExAC 0.00009; gnomAD exomes 0.00002 and 0.00010; gnomAD 0.00014 and 0.00013; TOPMed 0.00017.

Submissions (2):

Labcorp Genetics (formerly Invitae), Labcorp
Classification: Likely benign. Last evaluated: 2025-09-22. Review status: criteria provided, single submitter. Criteria: Invitae Variant Classification Sherloc (09022015). Collection method: clinical testing. Allele origin: germline.

PreventionGenetics, part of Exact Sciences
Classification: Likely benign for IGF2-related condition. Last evaluated: 2019-10-28. Review status: no assertion criteria provided. Collection method: clinical testing. Allele origin: germline. Not counted in ClinVar's aggregate classification.
Comment: This variant is classified as likely benign based on ACMG/AMP sequence variant interpretation guidelines (Richards et al. 2015 PMID: 25741868, with internal and published modifications).